The following is an entry in ClinVar:

NM_001845.6(COL4A1):c.3556+1G>T

Gene: COL4A1 (collagen type IV alpha 1 chain; minus strand). Cytogenetic location: 13q34.
Variant type: single nucleotide variant.
Coding change: c.3556+1G>T on transcript NM_001845.6 (MANE Select); the canonical splice donor site of the intron after coding-DNA position 3556, G replaced by T.
Molecular consequence: splice donor variant.
Genome position (GRCh38, 1-based): chr13:110,172,719, C>A on the plus strand (G>T on the coding strand, the complement: COL4A1 is on the minus strand). VCF-style: chr13-110172719-C-A. GRCh37 (hg19) VCF-style: chr13-110825066-C-A.
Identifiers: ClinVar variation 489296 (VCV000489296.4), dbSNP rs1555302645, ClinGen allele CA388663683.

ClinVar aggregate classification (germline): Pathogenic (1 of 4 stars; one submission).

Submission:

GeneDx
Classification: Pathogenic. Last evaluated: 2021-12-07. Review status: criteria provided, single submitter. Criteria: GeneDx Variant Classification Process June 2021. Collection method: clinical testing. Allele origin: germline. Affected: yes.
Comment: Canonical splice site variant expected to result in aberrant splicing, although in the absence of functional evidence the actual effect of this sequence change is unknown.; Not observed at significant frequency in large population cohorts (Lek et al., 2016); This variant is associated with the following publications: (PMID: 32732225, 34281745)